The following is an entry in ClinVar:

ClinVar aggregate classification (germline): Uncertain significance. Review status: criteria provided, multiple submitters, no conflicts (2 of 4 stars). 2 submissions from 2 submitters: Uncertain significance (2). Last evaluated 2026-06-04.

Conditions:
Inborn genetic diseases. Identifiers: MedGen C0950123, MeSH D030342.

Submissions (2):

Ambry Genetics
Classification: Uncertain significance for Inborn genetic diseases. Last evaluated: 2026-06-04. Review status: criteria provided, single submitter. Criteria: Ambry Variant Classification Scheme 2023. Collection method: clinical testing. Allele origin: germline.

GeneDx
Classification: Uncertain significance. Last evaluated: 2024-06-17. Review status: criteria provided, single submitter. Criteria: GeneDx Variant Classification Process June 2021. Collection method: clinical testing. Allele origin: germline. Affected: yes.
Comment: Not observed at significant frequency in large population cohorts (gnomAD); In silico analysis supports that this missense variant has a deleterious effect on protein structure/function; Has not been previously published as pathogenic or benign to our knowledge

NM_003482.4(KMT2D):c.7546C>T (p.Pro2516Ser)

Gene: KMT2D (lysine methyltransferase 2D; minus strand). Cytogenetic location: 12q13.12.
Variant type: single nucleotide variant.
Coding change: c.7546C>T on transcript NM_003482.4 (MANE Select); coding-DNA position 7546, C replaced by T.
Protein change: p.Pro2516Ser; replaces proline 2516 with serine.
Molecular consequence: missense variant.
Genome position (GRCh38, 1-based): chr12:49,040,224, G>A on the plus strand (C>T on the coding strand, the complement: KMT2D is on the minus strand). VCF-style: chr12-49040224-G-A. GRCh37 (hg19) VCF-style: chr12-49434007-G-A.
Other names: short protein forms P2516S.
Identifiers: ClinVar variation 3391677 (VCV003391677.2).